The following is an entry in ClinVar:

NM_001267550.2(TTN):c.9494TTG[1] (p.Val3166del)

Gene: TTN (titin; minus strand). Cytogenetic location: 2q31.2.
Variant type: Microsatellite.
Coding change: c.9494TTG[1] on transcript NM_001267550.2 (MANE Select); one copy of the 3-base unit TTG starting at c.9494; the reference has two copies in a row; one copy, 3 bases deleted.
Protein change: p.Val3166del; deletes valine 3166.
Genome position (GRCh38, 1-based): chr2:178,766,585-178,766,587, CAA deleted on the plus strand (TTG on the coding strand, the reverse complement: TTN is on the minus strand); deleting any 3 consecutive bases within chr2:178,766,585-178,766,592 gives the same sequence; the position shown is the placement nearest the transcript's 3' end. VCF-style (leftmost placement, unchanged base first): chr2-178766584-TCAA-T. GRCh37 (hg19) VCF-style: chr2-179631311-TCAA-T.
Other names: c.9494TTG[1], p.Val3166del (NM_001256850.1, NM_133378.4, NM_133379.5); c.9356TTG[1], p.Val3120del (NM_003319.4, NM_133432.3, NM_133437.4); c.9359_9361delTTG (NM_003319.4); short protein forms V3120del, V3166del.
Identifiers: ClinVar variation 5031481 (VCV005031481.1).

ClinVar aggregate classification (germline): Uncertain significance (1 of 4 stars; one submission).

Conditions:
Cardiovascular phenotype. Identifiers: MedGen CN230736.

Submission:

Ambry Genetics
Classification: Uncertain significance for Cardiovascular phenotype. Last evaluated: 2026-08-07. Review status: criteria provided, single submitter. Criteria: Ambry Variant Classification Scheme 2023. Collection method: clinical testing. Allele origin: germline.
Comment: The c.9359_9361delTTG variant (also known as p.V3120del) is located in coding exon 39 of the TTN gene. This variant results from an in-frame TTG deletion at nucleotide positions 9359 to 9361. This results in the in-frame deletion of a valine at codon 3120. This exon is located in the I-band region of the N2-B isoform of the titin protein and is constitutively expressed in TTN transcripts (percent spliced in or PSI 100%). This amino acid position is not well conserved in available vertebrate species. In addition, this variant is predicted to be deleterious by in silico analysis (Choi Y et al. PLoS ONE. 2012; 7(10):e46688). Based on the available evidence, the clinical significance of this variant remains unclear.